The following is an entry in ClinVar:

ClinVar aggregate classification (germline): Uncertain significance. Review status: criteria provided, multiple submitters, no conflicts (2 of 4 stars). 3 submissions from 3 submitters: Uncertain significance (3). Last evaluated 2024-01-31.

Conditions:
Oligodontia-cancer predisposition syndrome. Also called: TOOTH AGENESIS-COLORECTAL CANCER SYNDROME. Identifiers: Orphanet 300576, MedGen C1837750, MONDO:0012075, OMIM 608615. Disease mechanism: loss of function.
Colorectal cancer. Also called: Colorectal cancer, somatic; Malignant Colorectal Neoplasm. Identifiers: MedGen C0346629, MONDO:0005575, OMIM 114500.
Hereditary cancer-predisposing syndrome. Also called: Hereditary Cancer Syndrome; Tumor predisposition; Hereditary neoplastic syndrome; Neoplastic Syndromes, Hereditary. Identifiers: Orphanet 140162, MedGen C0027672, MeSH D009386, MONDO:0015356.

Allele frequency attached by ClinVar (database versions not stated): TOPMed below 0.00001.

Submissions (3):

Baylor Genetics
Classification: Uncertain significance for Colorectal cancer. Last evaluated: 2024-01-31. Review status: criteria provided, single submitter. Criteria: ACMG Guidelines, 2015. Collection method: clinical testing. Allele origin: unknown.

Labcorp Genetics (formerly Invitae), Labcorp
Classification: Uncertain significance for Oligodontia-cancer predisposition syndrome. Last evaluated: 2023-07-20. Review status: criteria provided, single submitter. Criteria: Invitae Variant Classification Sherloc (09022015). Collection method: clinical testing. Allele origin: germline.
Comment: In summary, the available evidence is currently insufficient to determine the role of this variant in disease. Therefore, it has been classified as a Variant of Uncertain Significance. Advanced modeling of protein sequence and biophysical properties (such as structural, functional, and spatial information, amino acid conservation, physicochemical variation, residue mobility, and thermodynamic stability) performed at Invitae indicates that this missense variant is expected to disrupt AXIN2 protein function. ClinVar contains an entry for this variant (Variation ID: 1054259). This variant has not been reported in the literature in individuals affected with AXIN2-related conditions. This variant is not present in population databases (gnomAD no frequency). This sequence change replaces threonine, which is neutral and polar, with isoleucine, which is neutral and non-polar, at codon 79 of the AXIN2 protein (p.Thr79Ile).

Ambry Genetics
Classification: Uncertain significance for Hereditary cancer-predisposing syndrome. Last evaluated: 2023-06-24. Review status: criteria provided, single submitter. Criteria: Ambry Variant Classification Scheme 2023. Collection method: clinical testing. Allele origin: germline.
Comment: The p.T79I variant (also known as c.236C>T), located in coding exon 1 of the AXIN2 gene, results from a C to T substitution at nucleotide position 236. The threonine at codon 79 is replaced by isoleucine, an amino acid with similar properties. This amino acid position is conserved. In addition, this alteration is predicted to be tolerated by in silico analysis. Since supporting evidence is limited at this time, the clinical significance of this alteration remains unclear.

NM_004655.4(AXIN2):c.236C>T (p.Thr79Ile)

Gene: AXIN2 (axin 2; minus strand). Cytogenetic location: 17q24.1.
Variant type: single nucleotide variant.
Coding change: c.236C>T on transcript NM_004655.4 (MANE Select); coding-DNA position 236, C replaced by T.
Protein change: p.Thr79Ile; replaces threonine 79 with isoleucine.
Molecular consequence: missense variant.
Genome position (GRCh38, 1-based): chr17:65,558,385, G>A on the plus strand (C>T on the coding strand, the complement: AXIN2 is on the minus strand). VCF-style: chr17-65558385-G-A. GRCh37 (hg19) VCF-style: chr17-63554503-G-A.
Other names: c.236C>T (NM_004655.3); c.236C>T, p.Thr79Ile (NM_001363813.1); short protein forms T79I.
Identifiers: ClinVar variation 1054259 (VCV001054259.11), dbSNP rs1202629263, ClinGen allele CA400681840.
Genomic context (GRCh38, chr17:65,558,385, plus strand): 5'-AGGAAAGTTCGGAACAGGTAAGCACCGTCTTGATCGCCCAATAAGGAGTGTAAGGACTTG[G>A]TCCACCGGGTCAGAGGGGAATCCGGAGATGCCCGCCCCTCCGGCTCCCCCAACCCATCTT-3'
Protein context (NP_004646.3, residues 69-89): ASPDSPLTRW[Thr79Ile]KSLHSLLGDQ